The following is an entry in ClinVar:

ClinVar aggregate classification (germline): Conflicting classifications of pathogenicity. Review status: criteria provided, conflicting classifications (1 of 4 stars). 6 submissions from 6 submitters: Uncertain significance (3); Benign (1); Likely benign (1). 1 of the submissions does not count toward it. Last evaluated 2025-12-21.

Conditions:
Groenouw corneal dystrophy type I (CDGG1). Also called: GRANULAR CORNEAL DYSTROPHY, TYPE I. Identifiers: Orphanet 98962, MedGen C1641846, MONDO:0007377, OMIM 121900.
Lattice corneal dystrophy Type I (CDL1). Identifiers: Orphanet 98964, MedGen C1690006, MONDO:0007380, OMIM 122200.
Avellino corneal dystrophy (CDA). Also called: COMBINED GRANULAR-LATTICE CORNEAL DYSTROPHY; Granular-lattice (Avellino) corneal dystrophy; Combined granular-lattice corneal dystrophies; Granular and lattice corneal dystrophies; Granular corneal dystrophy type 2; GRANULAR CORNEAL DYSTROPHY, TYPE II. Identifiers: Orphanet 98963, MedGen C1275685, MONDO:0011855, OMIM 607541.
Epithelial basement membrane dystrophy. Also called: Map-dot-fingerprint corneal dystrophy; CORNEAL DYSTROPHY, EPITHELIAL BASEMENT MEMBRANE; CORNEAL DYSTROPHY, ANTERIOR BASEMENT MEMBRANE; CORNEAL DYSTROPHY, MICROCYSTIC; Microcystic dystrophy of the cornea; Corneal dystrophy, Cogan type. Identifiers: Orphanet 98956, MedGen C0521723, MONDO:0007375, OMIM 121820, HP:0007690.
Reis-Bucklers' corneal dystrophy (CDRB). Also called: GRANULAR CORNEAL DYSTROPHY, TYPE III. Identifiers: Orphanet 98961, MedGen C0339278, MONDO:0012043, OMIM 608470.
Thiel-Behnke corneal dystrophy (CDTB). Also called: Corneal dystrophy honeycomb shaped; Corneal dystrophy of the Bowman layer type 2. Identifiers: Orphanet 98960, MedGen C1562894, MONDO:0011185, OMIM 602082.
Corneal dystrophy, lattice type 3A (CDL3A). Also called: Lattice corneal dystrophy type III A. Identifiers: Orphanet 98964, MedGen C1837974, MONDO:0012044, OMIM 608471.
Corneal dystrophy. Identifiers: Orphanet 34533, MedGen C0010036, MONDO:0018102, HP:0001131.

Allele frequency attached by ClinVar (database versions not stated): 1000 Genomes Project 30x 0.00062; 1000 Genomes Project 0.00080; gnomAD 0.00103; gnomAD exomes 0.00119 and 0.00143; TOPMed 0.00122; ExAC 0.00162.
gnomAD v4.1: 2,172 of 1,567,842 alleles (0.14%); highest among the groups gnomAD compares: Non-Finnish European, 0.17%; 3 homozygotes.

Submissions (6):

Labcorp Genetics (formerly Invitae), Labcorp
Classification: Likely benign. Last evaluated: 2025-12-21. Review status: criteria provided, single submitter. Criteria: Invitae Variant Classification Sherloc (09022015). Collection method: clinical testing. Allele origin: germline.

CeGaT Center for Human Genetics Tuebingen
Classification: Benign. Last evaluated: 2023-08-01. Review status: criteria provided, single submitter. Criteria: CeGaT Center For Human Genetics Tuebingen Variant Classification Criteria Version 2. Collection method: clinical testing. Allele origin: germline. Affected: yes. Observed: 1 variant allele.
Comment: TGFBI: BS1, BS2

Department of Pathology and Laboratory Medicine, Sinai Health System
Classification: Uncertain significance for Epithelial basement membrane dystrophy; Groenouw corneal dystrophy type I; Lattice corneal dystrophy Type I; Thiel-Behnke corneal dystrophy; Avellino corneal dystrophy; Reis-Bucklers' corneal dystrophy; Corneal dystrophy, lattice type 3A. Last evaluated: 2023-06-09. Review status: criteria provided, single submitter. Criteria: ACMG Guidelines, 2015. Collection method: research. Allele origin: germline.

Mendelics
Classification: Uncertain significance. Last evaluated: 2022-05-04. Review status: criteria provided, single submitter. Criteria: Mendelics Assertion Criteria 2019. Collection method: clinical testing. Allele origin: germline.

Illumina Laboratory Services, Illumina
Classification: Uncertain significance for Corneal dystrophy. Last evaluated: 2017-04-28. Review status: criteria provided, single submitter. Criteria: ICSL Variant Classification Criteria 13 December 2019. Collection method: clinical testing. Allele origin: germline.
Comment: This variant was observed as part of a predisposition screen in an ostensibly healthy population. A literature search was performed for the gene, cDNA change, and amino acid change (where applicable). Publications were found based on this search. However, the evidence from the literature, in combination with allele frequency data from public databases where available, was not sufficient to rule this variant in or out of causing disease. Therefore, this variant is classified as a variant of unknown significance.

OMIM
Classification: Pathogenic for CORNEAL DYSTROPHY, EPITHELIAL BASEMENT MEMBRANE. Last evaluated: 2006-06-01. Review status: no assertion criteria provided. Collection method: literature only. Allele origin: germline. Not counted in ClinVar's aggregate classification.

Literature cited by the submitters: PubMed 25525159 (cited by Illumina Laboratory Services, Illumina); PubMed 19337156 (cited by Illumina Laboratory Services, Illumina); PubMed 16652336 (cited by Illumina Laboratory Services, Illumina and OMIM).

NM_000358.3(TGFBI):c.1998G>C (p.Arg666Ser)

Gene: TGFBI (transforming growth factor beta induced; plus strand). Cytogenetic location: 5q31.1.
Variant type: single nucleotide variant.
Coding change: c.1998G>C on transcript NM_000358.3 (MANE Select); coding-DNA position 1998, G replaced by C.
Protein change: p.Arg666Ser; replaces arginine 666 with serine.
Molecular consequence: missense variant.
Genome position (GRCh38, 1-based): chr5:136,062,674, G>C. VCF-style: chr5-136062674-G-C. GRCh37 (hg19) VCF-style: chr5-135398363-G-C.
Other names: short protein forms R666S.
Identifiers: ClinVar variation 7878 (VCV000007878.37), dbSNP rs121909217, ClinGen allele CA250551.
Genomic context (GRCh38, chr5:136,062,674, plus strand): 5'-GCAGGTATAACTTTCACTAGAAAACCTGACACCTTGTGTTTTCTTTCAGGCTTCCCAGAG[G>C]TCTGTGCGACTAGGTGAGTCTGGTCTGGGTTTGAAGTCATTGCAGACCTGTTTAGGCCTT-3'
Protein context (NP_000349.1, residues 656-676): QASAFSRASQ[Arg666Ser]SVRLAPVYQK